The following is an entry in ClinVar:

NM_005228.5(EGFR):c.1821C>T (p.Val607=)

Gene: EGFR (epidermal growth factor receptor; plus strand). Cytogenetic location: 7p11.2.
Variant type: single nucleotide variant.
Coding change: c.1821C>T on transcript NM_005228.5 (MANE Select); coding-DNA position 1821, C replaced by T.
Protein change: p.Val607=; no amino-acid change (valine 607 retained).
Molecular consequence: synonymous variant.
Genome position (GRCh38, 1-based): chr7:55,165,378, C>T. VCF-style: chr7-55165378-C-T. GRCh37 (hg19) VCF-style: chr7-55233071-C-T.
Other names: c.1686C>T, p.Val562= (NM_001346897.2, NM_001346899.2); c.1821C>T, p.Val607= (NM_001346898.2, NM_201282.2, NM_201284.2); c.1662C>T, p.Val554= (NM_001346900.2); c.1020C>T, p.Val340= (NM_001346941.2).
Identifiers: ClinVar variation 1123378 (VCV001123378.12), dbSNP rs377048120, ClinGen allele CA4265706.
Genomic context (GRCh38, chr7:55,165,378, plus strand): 5'-CGGCCCCCACTGCGTCAAGACCTGCCCGGCAGGAGTCATGGGAGAAAACAACACCCTGGT[C>T]TGGAAGTACGCAGACGCCGGCCATGTGTGCCACCTGTGCCATCCAAACTGCACCTACGGG-3'
Protein context (NP_005219.2, residues 597-617): AGVMGENNTL[Val607=]WKYADAGHVC

ClinVar aggregate classification (germline): Conflicting classifications of pathogenicity. Review status: criteria provided, conflicting classifications (1 of 4 stars). 4 submissions from 4 submitters: Uncertain significance (1); Likely benign (3). Last evaluated 2026-01-11.

Conditions:
Hereditary cancer-predisposing syndrome. Also called: Hereditary neoplastic syndrome; Tumor predisposition; Hereditary Cancer Syndrome; Neoplastic Syndromes, Hereditary. Identifiers: Orphanet 140162, MedGen C0027672, MeSH D009386, MONDO:0015356.
EGFR-related lung cancer (EGFR). Identifiers: MedGen CN130014.

Allele frequency attached by ClinVar (database versions not stated): gnomAD 0.00003 and 0.00004; gnomAD exomes 0.00003 and 0.00007; TOPMed 0.00004; ExAC 0.00007; ESP Exome Variant Server 0.00015.
gnomAD v4.1: 53 of 1,614,070 alleles (0.0033%); highest among the groups gnomAD compares: Middle Eastern, 0.15%; 1 homozygote.

Submissions (4):

Labcorp Genetics (formerly Invitae), Labcorp
Classification: Likely benign for EGFR-related lung cancer. Last evaluated: 2026-01-11. Review status: criteria provided, single submitter. Criteria: Invitae Variant Classification Sherloc (09022015). Collection method: clinical testing. Allele origin: germline.

Ambry Genetics
Classification: Likely benign for Hereditary cancer-predisposing syndrome. Last evaluated: 2024-11-20. Review status: criteria provided, single submitter. Criteria: Ambry Variant Classification Scheme 2023. Collection method: clinical testing. Allele origin: germline.

Blueprint Genetics
Classification: Likely benign. Last evaluated: 2024-10-23. Review status: criteria provided, single submitter. Criteria: ACMG Guidelines, 2015. Collection method: clinical testing. Allele origin: germline.

Sema4
Classification: Uncertain significance for Hereditary cancer-predisposing syndrome. Last evaluated: 2021-10-29. Review status: criteria provided, single submitter. Criteria: Sema4 Curation Guidelines. Collection method: curation. Allele origin: germline.
Comment: To the best of our knowledge, the EGFR c.1821C>T (p.V607=) variant has not been reported in the germline of individuals with EGFR-related disease. It was observed in 18/251422 chromosomes across all populations in the large and broad cohorts of the Genome Aggregation Database (PMID: 32461654). The variant has been reported in ClinVar (Variation ID: 1123378). This variant involves a conserved nucleotide, and computational analyses suggest that the variant may not have an impact on splicing, though these predictions have not been confirmed by published functional studies. The evidence is insufficient to meet ACMG/AMP criteria for classifying the variant as benign or pathogenic. Thus, the clinical significance of this variant is currently uncertain.